The following is an entry in ClinVar:

ClinVar aggregate classification (germline): Uncertain significance (1 of 4 stars; one submission).

Conditions:
MYH14-related disorder. Also called: MYH14-related condition.

Submission:

PreventionGenetics, part of Exact Sciences
Classification: Uncertain significance for MYH14-related condition. Last evaluated: 2023-06-09. Review status: criteria provided, single submitter. Criteria: ACMG Guidelines, 2015. Collection method: clinical testing. Allele origin: germline.
Comment: The MYH14 c.4144C>G variant is predicted to result in the amino acid substitution p.Leu1382Val. To our knowledge, this variant has not been reported in the literature or in a large population database, indicating this variant is rare. At this time, the clinical significance of this variant is uncertain due to the absence of conclusive functional and genetic evidence.

NM_001145809.2(MYH14):c.4144C>G (p.Leu1382Val)

Gene: MYH14 (myosin heavy chain 14; plus strand). Cytogenetic location: 19q13.33.
Variant type: single nucleotide variant.
Coding change: c.4144C>G on transcript NM_001145809.2 (MANE Select); coding-DNA position 4144, C replaced by G.
Protein change: p.Leu1382Val; replaces leucine 1382 with valine.
Molecular consequence: missense variant.
Genome position (GRCh38, 1-based): chr19:50,280,237, C>G. VCF-style: chr19-50280237-C-G. GRCh37 (hg19) VCF-style: chr19-50783494-C-G.
Other names: c.4045C>G, p.Leu1349Val (NM_001077186.2); c.4021C>G, p.Leu1341Val (NM_024729.4); short protein forms L1341V, L1349V, L1382V.
Identifiers: ClinVar variation 2632576 (VCV002632576.1), dbSNP rs2035665873, ClinGen allele CA406957399.
Genomic context (GRCh38, chr19:50,280,237, plus strand): 5'-TCCCCTCCTTGTCCTCCCAGCCACACCTGACATTGCCGTCTCCTCCATCTACAGGAGCTG[C>G]TGCAGGAGGAGACCAGGGCGAAATTGGCCTTGGGGTCCCGGGTGCGAGCCATGGAGGCTG-3'
Protein context (NP_001139281.1, residues 1372-1392): EAQLHDAQEL[Leu1382Val]QEETRAKLAL